The following is an entry in ClinVar:

ClinVar aggregate classification (germline): Likely benign (1 of 4 stars; one submission).

Submission:

CeGaT Center for Human Genetics Tuebingen
Classification: Likely benign. Last evaluated: 2026-08-01. Review status: criteria provided, single submitter. Criteria: CeGaT Center For Human Genetics Tuebingen Variant Classification Criteria Version 2. Collection method: clinical testing. Allele origin: germline. Affected: yes. Observed: 1 variant allele.
Comment: SLC5A6: PM2:Supporting, BP4, BP7

NM_021095.4(SLC5A6):c.1614G>C (p.Val538=)

Gene: SLC5A6 (solute carrier family 5 member 6; minus strand). Cytogenetic location: 2p23.3.
Variant type: single nucleotide variant.
Coding change: c.1614G>C on transcript NM_021095.4 (MANE Select); coding-DNA position 1614, G replaced by C.
Protein change: p.Val538=; no amino-acid change (valine 538 retained).
Molecular consequence: synonymous variant. On other transcripts: non-coding transcript variant (1).
Genome position (GRCh38, 1-based): chr2:27,201,384, C>G on the plus strand (G>C on the coding strand, the complement: SLC5A6 is on the minus strand). VCF-style: chr2-27201384-C-G. GRCh37 (hg19) VCF-style: chr2-27424252-C-G.
Identifiers: ClinVar variation 5039399 (VCV005039399.1).